The following is an entry in ClinVar:

NM_007294.4(BRCA1):c.3928A>G (p.Thr1310Ala)

Genes: BRCA1 (BRCA1 DNA repair associated; minus strand), LOC126862571 (BRD4-independent group 4 enhancer GRCh37_chr17:41243136-41244335; plus strand). Cytogenetic location: 17q21.31.
Variant type: single nucleotide variant.
Coding change: c.3928A>G on transcript NM_007294.4 (MANE Select); coding-DNA position 3928, A replaced by G.
Protein change: p.Thr1310Ala; replaces threonine 1310 with alanine.
Molecular consequence: missense variant. On other transcripts: intron variant (135).
Genome position (GRCh38, 1-based): chr17:43,091,603, T>C on the plus strand (A>G on the coding strand, the complement: BRCA1 is on the minus strand). VCF-style: chr17-43091603-T-C. GRCh37 (hg19) VCF-style: chr17-41243620-T-C.
Other names: c.3928A>G, p.Thr1310Ala (NM_001407684.1, NM_001407854.1, NM_001407858.1 and 30 more transcripts); c.3802A>G, p.Thr1268Ala (NM_001407685.1, NM_001407686.1, NM_001407687.1 and 11 more transcripts); c.3787A>G, p.Thr1263Ala (NM_001407692.1, NM_001407694.1, NM_001407695.1 and 29 more transcripts); c.3784A>G, p.Thr1262Ala (NM_001407740.1, NM_001407741.1, NM_001407742.1 and 20 more transcripts); c.3715A>G, p.Thr1239Ala (NM_001407853.1, NM_001407894.1, NM_001407895.1 and 9 more transcripts); c.3925A>G, p.Thr1309Ala (NM_001407860.1, NM_001407861.1, NM_001407587.1 and 22 more transcripts); c.3727A>G, p.Thr1243Ala (NM_001407862.1); c.3805A>G, p.Thr1269Ala (NM_001407863.1, NM_001407919.1, NM_001407937.1 and 19 more transcripts); and 41 more; short protein forms T1310A, T1263A, T1198A, T1222A, T1242A, T1243A, T1262A, T1142A.
Identifiers: ClinVar variation 923335 (VCV000923335.13), dbSNP rs2053499046, ClinGen allele CA10594103.

ClinVar aggregate classification (germline): Conflicting classifications of pathogenicity. Review status: criteria provided, conflicting classifications (1 of 4 stars). 5 submissions from 5 submitters: Uncertain significance (4); Likely benign (1). Last evaluated 2025-05-19.

Conditions:
Hereditary breast ovarian cancer syndrome. Also called: Hereditary breast and ovarian cancer syndrome (HBOC); Hereditary breast and ovarian cancer; Hereditary breast and ovarian cancer syndrome; Breast and ovarian cancer; Hereditary breast and/or ovarian cancer syndrome; BRCA1- and BRCA2-Associated Hereditary Breast and Ovarian Cancer. Identifiers: Orphanet 145, MedGen C0677776, MeSH D061325, MONDO:0003582. Disease mechanism: loss of function.
BRCA1-related disorder. Also called: BRCA1-related condition.
Hereditary cancer-predisposing syndrome. Also called: Neoplastic Syndromes, Hereditary; Hereditary Cancer Syndrome; Tumor predisposition; Hereditary neoplastic syndrome. Identifiers: Orphanet 140162, MedGen C0027672, MeSH D009386, MONDO:0015356.

Submissions (5):

PreventionGenetics, part of Exact Sciences
Classification: Uncertain significance for BRCA1-related condition. Last evaluated: 2025-05-19. Review status: criteria provided, single submitter. Criteria: ACMG Guidelines, 2015. Collection method: clinical testing. Allele origin: germline.
Comment: The BRCA1 c.3928A>G variant is predicted to result in the amino acid substitution p.Thr1310Ala. This variant was reported in an individual with a personal and/or family history of breast and/or ovarian cancer (Gabaldó Barrios et al. 2017. PubMed ID: 28477318). This variant occurs within a region of the BRCA1 gene that is predicted to be tolerant to missense variation (Table 2, Dines et al. 2020. PubMed ID: 31911673). This variant has not been reported in a large population database (gnomAD), indicating this variant is rare. This variant has conflicting interpretations of pathogenicity in ClinVar ranging from likely benign to uncertain. At this time, the clinical significance of this variant is uncertain due to the absence of conclusive functional and genetic evidence.

University of Washington Department of Laboratory Medicine, University of Washington
Classification: Likely benign for Hereditary cancer-predisposing syndrome. Last evaluated: 2023-03-23. Review status: criteria provided, single submitter. Criteria: Dines et al. (Genet Med. 2020). Collection method: curation. Allele origin: germline.
Comment: Missense variant in a coldspot region where missense variants are very unlikely to be pathogenic (PMID:31911673).

BRCA1 coldspot (exon 11 using historical exon numbering). Reclassification based on statistical prior probability

Labcorp Genetics (formerly Invitae), Labcorp
Classification: Uncertain significance for Hereditary breast ovarian cancer syndrome. Last evaluated: 2022-08-05. Review status: criteria provided, single submitter. Criteria: Invitae Variant Classification Sherloc (09022015). Collection method: clinical testing. Allele origin: germline.
Comment: ClinVar contains an entry for this variant (Variation ID: 923335). This missense change has been observed in individual(s) with personal or family history of breast and/or ovarian cancer (PMID: 28477318). This variant is not present in population databases (gnomAD no frequency). This sequence change replaces threonine, which is neutral and polar, with alanine, which is neutral and non-polar, at codon 1310 of the BRCA1 protein (p.Thr1310Ala). In summary, the available evidence is currently insufficient to determine the role of this variant in disease. Therefore, it has been classified as a Variant of Uncertain Significance. Advanced modeling of protein sequence and biophysical properties (such as structural, functional, and spatial information, amino acid conservation, physicochemical variation, residue mobility, and thermodynamic stability) performed at Invitae indicates that this missense variant is not expected to disrupt BRCA1 protein function.

Women's Health and Genetics/Laboratory Corporation of America, LabCorp
Classification: Uncertain significance. Last evaluated: 2020-09-14. Review status: criteria provided, single submitter. Criteria: LabCorp Variant Classification Summary - May 2015. Collection method: clinical testing. Allele origin: germline.
Comment: Variant summary: BRCA1 c.3928A>G (p.Thr1310Ala) results in a non-conservative amino acid change in the encoded protein sequence. Four of five in-silico tools predict a benign effect of the variant on protein function. The variant was absent in 251182 control chromosomes (gnomAD). The available data on variant occurrences in the general population are insufficient to allow any conclusion about variant significance. c.3928A>G has been reported in the literature in one individual affected with Hereditary Breast And Ovarian Cancer Syndrome (Gabaldo_2017). The report does not provide unequivocal conclusions about association of the variant with Hereditary Breast And Ovarian Cancer Syndrome. To our knowledge, no experimental evidence demonstrating an impact on protein function has been reported. One ClinVar submitter (evaluation after 2014) cites the variant as uncertain significance. Based on the evidence outlined above, the variant was classified as uncertain significance.

Color Diagnostics, LLC DBA Color Health
Classification: Uncertain significance for Hereditary cancer-predisposing syndrome. Last evaluated: 2019-12-06. Review status: criteria provided, single submitter. Criteria: ACMG Guidelines, 2015. Collection method: clinical testing. Allele origin: germline.
Comment: This missense variant replaces threonine with alanine at codon 1310 of the BRCA1 protein. Computational prediction is inconclusive regarding the impact of this variant on protein structure and function (internally defined REVEL score threshold 0.5 < inconclusive < 0.7, PMID: 27666373). Splice site prediction tools suggest that this variant may not impact RNA splicing. To our knowledge, functional studies have not been performed for this variant. This variant has been reported in 1 individual in a family suspected with hereditary breast and ovarian cancer (PMID: 28477318). This variant has not been identified in the general population by the Genome Aggregation Database (gnomAD). The available evidence is insufficient to determine the role of this variant in disease conclusively. Therefore, this variant is classified as a Variant of Uncertain Significance.

Literature cited by the submitters: PubMed 28477318 (cited by Labcorp Genetics (formerly Invitae), Labcorp and Women's Health and Genetics/Laboratory Corporation of America, LabCorp).